The following is an entry in ClinVar:

ClinVar aggregate classification (germline): Uncertain significance (1 of 4 stars; one submission).

Submission:

Labcorp Genetics (formerly Invitae), Labcorp
Classification: Uncertain significance. Last evaluated: 2025-09-30. Review status: criteria provided, single submitter. Criteria: Invitae Variant Classification Sherloc (09022015). Collection method: clinical testing. Allele origin: germline.
Comment: This sequence change replaces arginine, which is basic and polar, with serine, which is neutral and polar, at codon 398 of the HK1 protein (p.Arg398Ser). This variant is not present in population databases (gnomAD no frequency). This variant has not been reported in the literature in individuals affected with HK1-related conditions. Invitae Evidence Modeling of protein sequence and biophysical properties (such as structural, functional, and spatial information, amino acid conservation, physicochemical variation, residue mobility, and thermodynamic stability) indicates that this missense variant is not expected to disrupt HK1 protein function with a negative predictive value of 80%. In summary, the available evidence is currently insufficient to determine the role of this variant in disease. Therefore, it has been classified as a Variant of Uncertain Significance.

NM_000188.3(HK1):c.1192C>A (p.Arg398Ser)

Gene: HK1 (hexokinase 1; plus strand). Cytogenetic location: 10q22.1.
Variant type: single nucleotide variant.
Coding change: c.1192C>A on transcript NM_000188.3 (MANE Select); coding-DNA position 1192, C replaced by A.
Protein change: p.Arg398Ser; replaces arginine 398 with serine.
Molecular consequence: missense variant. On other transcripts: non-coding transcript variant (2), intron variant (1).
Genome position (GRCh38, 1-based): chr10:69,380,022, C>A. VCF-style: chr10-69380022-C-A. GRCh37 (hg19) VCF-style: chr10-71139778-C-A.
Other names: c.1204C>A, p.Arg402Ser (NM_001322364.2, NM_001358263.1, NM_033497.3 and 1 more transcripts); c.1297C>A, p.Arg433Ser (NM_001322365.2); c.1108C>A, p.Arg370Ser (NM_001322366.1, NM_001441143.1); c.1096C>A, p.Arg366Ser (NM_001322367.1); c.1192C>A, p.Arg398Ser (NM_001441139.1, NM_001441141.1, NM_001441145.1 and 2 more transcripts); c.1183C>A, p.Arg395Ser (NM_001441140.1); c.1150C>A, p.Arg384Ser (NM_001441142.1); c.1072C>A, p.Arg358Ser (NM_001441144.1); and 8 more; short protein forms R185S, R397S, R276S, R370S, R384S, R62S, R160S, R366S.
Identifiers: ClinVar variation 4746517 (VCV004746517.1).